The following is an entry in ClinVar:

ClinVar aggregate classification (germline): Uncertain significance (1 of 4 stars; one submission).

gnomAD v4.1: 1 of 1,613,920 alleles (0.000062%); highest among the groups gnomAD compares: Non-Finnish European, 0.000085%; no homozygotes.

Submission:

CeGaT Center for Human Genetics Tuebingen
Classification: Uncertain significance. Last evaluated: 2025-08-01. Review status: criteria provided, single submitter. Criteria: CeGaT Center For Human Genetics Tuebingen Variant Classification Criteria Version 2. Collection method: clinical testing. Allele origin: germline. Affected: yes. Observed: 1 variant allele.
Comment: KMT2A: PM2:Supporting, PP2

NM_001197104.2(KMT2A):c.11015T>G (p.Leu3672Arg)

Gene: KMT2A (lysine methyltransferase 2A; plus strand). Cytogenetic location: 11q23.3.
Variant type: single nucleotide variant.
Coding change: c.11015T>G on transcript NM_001197104.2 (MANE Select); coding-DNA position 11015, T replaced by G.
Protein change: p.Leu3672Arg; replaces leucine 3672 with arginine.
Molecular consequence: missense variant.
Genome position (GRCh38, 1-based): chr11:118,510,062, T>G. VCF-style: chr11-118510062-T-G. GRCh37 (hg19) VCF-style: chr11-118380777-T-G.
Other names: c.11105T>G, p.Leu3702Arg (NM_001412597.1); c.11006T>G, p.Leu3669Arg (NM_005933.4); short protein forms L3669R, L3672R, L3702R.
Identifiers: ClinVar variation 4085938 (VCV004085938.8).